The following is an entry in ClinVar:

ClinVar aggregate classification (germline): Uncertain significance. Review status: criteria provided, multiple submitters, no conflicts (2 of 4 stars). 2 submissions from 2 submitters: Uncertain significance (2). Last evaluated 2024-05-16.

Conditions:
Hereditary cancer-predisposing syndrome. Also called: Hereditary Cancer Syndrome; Hereditary neoplastic syndrome; Neoplastic Syndromes, Hereditary; Tumor predisposition. Identifiers: Orphanet 140162, MedGen C0027672, MeSH D009386, MONDO:0015356.
Gastrointestinal stromal tumor. Also called: Gastrointestinal stromal tumor, somatic; Gastrointestinal stroma tumor. Identifiers: Orphanet 44890, MedGen C0238198, MeSH D046152, MONDO:0011719, OMIM 606764, HP:0100723.

Submissions (2):

Labcorp Genetics (formerly Invitae), Labcorp
Classification: Uncertain significance for Gastrointestinal stromal tumor. Last evaluated: 2024-05-16. Review status: criteria provided, single submitter. Criteria: Invitae Variant Classification Sherloc (09022015). Collection method: clinical testing. Allele origin: germline.
Comment: This sequence change replaces asparagine, which is neutral and polar, with serine, which is neutral and polar, at codon 314 of the KIT protein (p.Asn314Ser). This variant is not present in population databases (gnomAD no frequency). This variant has not been reported in the literature in individuals affected with KIT-related conditions. ClinVar contains an entry for this variant (Variation ID: 2568303). An algorithm developed to predict the effect of missense changes on protein structure and function (PolyPhen-2) suggests that this variant is likely to be tolerated. In summary, the available evidence is currently insufficient to determine the role of this variant in disease. Therefore, it has been classified as a Variant of Uncertain Significance.

Ambry Genetics
Classification: Uncertain significance for Hereditary cancer-predisposing syndrome. Last evaluated: 2023-03-17. Review status: criteria provided, single submitter. Criteria: Ambry Variant Classification Scheme 2023. Collection method: clinical testing. Allele origin: germline.
Comment: The p.N314S variant (also known as c.941A>G), located in coding exon 6 of the KIT gene, results from an A to G substitution at nucleotide position 941. The asparagine at codon 314 is replaced by serine, an amino acid with highly similar properties. This amino acid position is conserved. In addition, this alteration is predicted to be tolerated by in silico analysis. Since supporting evidence is limited at this time, the clinical significance of this alteration remains unclear.

NM_000222.3(KIT):c.941A>G (p.Asn314Ser)

Gene: KIT (KIT proto-oncogene, receptor tyrosine kinase; plus strand). Cytogenetic location: 4q12.
Variant type: single nucleotide variant.
Coding change: c.941A>G on transcript NM_000222.3 (MANE Select); coding-DNA position 941, A replaced by G.
Protein change: p.Asn314Ser; replaces asparagine 314 with serine.
Molecular consequence: missense variant.
Genome position (GRCh38, 1-based): chr4:54,707,113, A>G. VCF-style: chr4-54707113-A-G. GRCh37 (hg19) VCF-style: chr4-55573279-A-G.
Other names: c.941A>G, p.Asn314Ser (NM_001093772.2, NM_001385285.1, NM_001385286.1); c.944A>G, p.Asn315Ser (NM_001385284.1, NM_001385288.1, NM_001385290.1 and 1 more transcripts); short protein forms N315S, N314S.
Identifiers: ClinVar variation 2568303 (VCV002568303.4), dbSNP rs2109704925, ClinGen allele CA356900696.